The following is an entry in ClinVar:

NM_001348716.2(KDM6B):c.1881C>G (p.Ser627Arg)

Gene: KDM6B (lysine demethylase 6B; plus strand). Cytogenetic location: 17p13.1.
Variant type: single nucleotide variant.
Coding change: c.1881C>G on transcript NM_001348716.2 (MANE Select); coding-DNA position 1881, C replaced by G.
Protein change: p.Ser627Arg; replaces serine 627 with arginine.
Molecular consequence: missense variant.
Genome position (GRCh38, 1-based): chr17:7,848,169, C>G. VCF-style: chr17-7848169-C-G. GRCh37 (hg19) VCF-style: chr17-7751487-C-G.
Other names: c.1881C>G, p.Ser627Arg (NM_001080424.2); short protein forms S627R.
Identifiers: ClinVar variation 3287971 (VCV003287971.9).
Genomic context (GRCh38, chr17:7,848,169, plus strand): 5'-TCCAGCCCCTCCTTCCTCCTGCCACCAAAATACCTCAGGAAGCTTCAGGCGCCCGGAGAG[C>G]CCCCGGCCCAGGGTCTCCTTCCCAAAGACCCCCGAGGTGGGGCCGGGGCCACCCCCAGGC-3'
Protein context (NP_001335645.1, residues 617-637): NTSGSFRRPE[Ser627Arg]PRPRVSFPKT

ClinVar aggregate classification (germline): Likely benign. Review status: criteria provided, multiple submitters, no conflicts (2 of 4 stars). 2 submissions from 2 submitters: Likely benign (2). Last evaluated 2025-08-01.

Conditions:
Inborn genetic diseases. Identifiers: MedGen C0950123, MeSH D030342.

gnomAD v4.1: 260 of 1,612,516 alleles (0.016%); highest among the groups gnomAD compares: African/African-American, 0.33%; 2 homozygotes.

Submissions (2):

CeGaT Center for Human Genetics Tuebingen
Classification: Likely benign. Last evaluated: 2025-08-01. Review status: criteria provided, single submitter. Criteria: CeGaT Center For Human Genetics Tuebingen Variant Classification Criteria Version 2. Collection method: clinical testing. Allele origin: germline. Affected: yes. Observed: 1 variant allele.
Comment: KDM6B: BS1

Ambry Genetics
Classification: Likely benign for Inborn genetic diseases. Last evaluated: 2024-03-28. Review status: criteria provided, single submitter. Criteria: Ambry Variant Classification Scheme 2023. Collection method: clinical testing. Allele origin: germline.